The following is an entry in ClinVar:

ClinVar aggregate classification (germline): Uncertain significance (1 of 4 stars; one submission).

Conditions:
Immunodeficiency 35 (IMD35). Also called: HIES WITH ATYPICAL MYCOBACTERIOSIS, AUTOSOMAL RECESSIVE; HYPER-IgE SYNDROME WITH ATYPICAL MYCOBACTERIOSIS, AUTOSOMAL RECESSIVE; TYK2 DEFICIENCY; Susceptibility to infection due to TYK2 deficiency. Identifiers: Orphanet 331226, MedGen C1969086, MONDO:0012682, OMIM 611521.

gnomAD v4.1: 1 of 1,614,100 alleles (0.000062%); highest among the groups gnomAD compares: Non-Finnish European, 0.000085%; no homozygotes.

Submission:

Labcorp Genetics (formerly Invitae), Labcorp
Classification: Uncertain significance for Immunodeficiency 35. Last evaluated: 2022-08-16. Review status: criteria provided, single submitter. Criteria: Invitae Variant Classification Sherloc (09022015). Collection method: clinical testing. Allele origin: germline.
Comment: This sequence change replaces threonine, which is neutral and polar, with arginine, which is basic and polar, at codon 1120 of the TYK2 protein (p.Thr1120Arg). This variant is not present in population databases (gnomAD no frequency). In summary, the available evidence is currently insufficient to determine the role of this variant in disease. Therefore, it has been classified as a Variant of Uncertain Significance. Algorithms developed to predict the effect of missense changes on protein structure and function are either unavailable or do not agree on the potential impact of this missense change (SIFT: "Not Available"; PolyPhen-2: "Possibly Damaging"; Align-GVGD: "Not Available"). ClinVar contains an entry for this variant (Variation ID: 1026674). This variant has not been reported in the literature in individuals affected with TYK2-related conditions.

NM_003331.5(TYK2):c.3359C>G (p.Thr1120Arg)

Gene: TYK2 (tyrosine kinase 2; minus strand). Cytogenetic location: 19p13.2.
Variant type: single nucleotide variant.
Coding change: c.3359C>G on transcript NM_003331.5 (MANE Select); coding-DNA position 3359, C replaced by G.
Protein change: p.Thr1120Arg; replaces threonine 1120 with arginine.
Molecular consequence: missense variant. On other transcripts: intron variant (1).
Genome position (GRCh38, 1-based): chr19:10,351,122, G>C on the plus strand (C>G on the coding strand, the complement: TYK2 is on the minus strand). VCF-style: chr19-10351122-G-C. GRCh37 (hg19) VCF-style: chr19-10461798-G-C.
Other names: c.3209C>G, p.Thr1070Arg (NM_001385198.1); c.3173C>G, p.Thr1058Arg (NM_001385199.1); c.3356C>G, p.Thr1119Arg (NM_001385200.1); c.3161C>G, p.Thr1054Arg (NM_001385201.1); c.3275C>G, p.Thr1092Arg (NM_001385202.1); c.3440C>G, p.Thr1147Arg (NM_001385203.1); c.3569C>G, p.Thr1190Arg (NM_001385204.1); c.3269C>G, p.Thr1090Arg (NM_001385205.1); and 3 more; short protein forms T1054R, T1058R, T1070R, T1078R, T1090R, T1092R, T1114R, T1119R.
Identifiers: ClinVar variation 1026674 (VCV001026674.10), dbSNP rs768580902, ClinGen allele CA403980574.